The following is an entry in ClinVar:

NM_001123385.2(BCOR):c.1016C>T (p.Pro339Leu)

Genes: BCOR (BCL6 corepressor; minus strand), LOC126863239 (MED14-independent group 3 enhancer GRCh37_chrX:39932994-39934193; plus strand). Cytogenetic location: Xp11.4.
Variant type: single nucleotide variant.
Coding change: c.1016C>T on transcript NM_001123385.2 (MANE Select); coding-DNA position 1016, C replaced by T.
Protein change: p.Pro339Leu; replaces proline 339 with leucine.
Molecular consequence: missense variant.
Genome position (GRCh38, 1-based): chrX:40,074,330, G>A on the plus strand (C>T on the coding strand, the complement: BCOR is on the minus strand). VCF-style: chrX-40074330-G-A. GRCh37 (hg19) VCF-style: chrX-39933583-G-A.
Other names: c.1016C>T, p.Pro339Leu (NM_001123383.2, NM_001123384.2, NM_017745.6); short protein forms P339L.
Identifiers: ClinVar variation 133681 (VCV000133681.6), dbSNP rs587778095, ClinGen allele CA157303.

ClinVar aggregate classification (germline): Uncertain significance. Review status: criteria provided, single submitter (1 of 4 stars). 2 submissions from 2 submitters: Uncertain significance (1). 1 of the submissions does not count toward it. Last evaluated 2022-02-15.

Conditions:
Oculofaciocardiodental syndrome (MCOPS2). Identifiers: Orphanet 2712, MedGen C1846265, MONDO:0010261, OMIM 300166.

Allele frequency attached by ClinVar (database versions not stated): TOPMed below 0.00001; gnomAD exomes 0.00001; gnomAD 0.00002.
gnomAD v4.1: 9 of 1,210,470 alleles (0.00074%); highest among the groups gnomAD compares: Admixed American, 0.0065%; no homozygotes.

Submissions (2):

Labcorp Genetics (formerly Invitae), Labcorp
Classification: Uncertain significance for Oculofaciocardiodental syndrome. Last evaluated: 2022-02-15. Review status: criteria provided, single submitter. Criteria: Invitae Variant Classification Sherloc (09022015). Collection method: clinical testing. Allele origin: germline.
Comment: Algorithms developed to predict the effect of missense changes on protein structure and function (SIFT, PolyPhen-2, Align-GVGD) all suggest that this variant is likely to be disruptive. In summary, the available evidence is currently insufficient to determine the role of this variant in disease. Therefore, it has been classified as a Variant of Uncertain Significance. ClinVar contains an entry for this variant (Variation ID: 133681). This variant has not been reported in the literature in individuals affected with BCOR-related conditions. This variant is present in population databases (rs587778095, gnomAD 0.007%). This sequence change replaces proline, which is neutral and non-polar, with leucine, which is neutral and non-polar, at codon 339 of the BCOR protein (p.Pro339Leu).

ITMI
No classification provided. Condition: AllHighlyPenetrant. Last evaluated: 2013-09-19. Review status: no classification provided. Collection method: reference population. Allele origin: germline. Not counted in ClinVar's aggregate classification.
Comment: Please see associated publication for description of ethnicities

Literature cited by the submitters: PubMed 24728327 (cited by ITMI).